The following is an entry in ClinVar:

ClinVar aggregate classification (germline): Likely benign (1 of 4 stars; one submission).

Allele frequency attached by ClinVar (database versions not stated): gnomAD exomes 0.00010; ExAC 0.00030; 1000 Genomes Project 30x 0.00094; TOPMed 0.00094; ESP Exome Variant Server 0.00108; 1000 Genomes Project 0.00120.
gnomAD v4.1: 278 of 1,613,156 alleles (0.017%); highest among the groups gnomAD compares: African/African-American, 0.27%; 1 homozygote.

Submission:

CeGaT Center for Human Genetics Tuebingen
Classification: Likely benign. Last evaluated: 2023-03-01. Review status: criteria provided, single submitter. Criteria: CeGaT Center For Human Genetics Tuebingen Variant Classification Criteria Version 2. Collection method: clinical testing. Allele origin: germline. Affected: yes. Observed: 1 variant allele.
Comment: GPR20: BP4, BP7

NM_005293.3(GPR20):c.174G>A (p.Ala58=)

Gene: GPR20 (G protein-coupled receptor 20; minus strand). Cytogenetic location: 8q24.3.
Variant type: single nucleotide variant.
Coding change: c.174G>A on transcript NM_005293.3 (MANE Select); coding-DNA position 174, G replaced by A.
Protein change: p.Ala58=; no amino-acid change (alanine 58 retained).
Molecular consequence: synonymous variant.
Genome position (GRCh38, 1-based): chr8:141,357,750, C>T on the plus strand (G>A on the coding strand, the complement: GPR20 is on the minus strand). VCF-style: chr8-141357750-C-T. GRCh37 (hg19) VCF-style: chr8-142367850-C-T.
Identifiers: ClinVar variation 2658875 (VCV002658875.24), dbSNP rs143776711, ClinGen allele CA4898674.